The following is an entry in ClinVar:

NM_000124.4(ERCC6):c.3983+1G>C

Gene: ERCC6 (ERCC excision repair 6, chromatin remodeling factor; minus strand). Cytogenetic location: 10q11.23.
Variant type: single nucleotide variant.
Coding change: c.3983+1G>C on transcript NM_000124.4 (MANE Select); the canonical splice donor site of the intron after coding-DNA position 3983, G replaced by C.
Molecular consequence: splice donor variant.
Genome position (GRCh38, 1-based): chr10:49,461,351, C>G on the plus strand (G>C on the coding strand, the complement: ERCC6 is on the minus strand). VCF-style: chr10-49461351-C-G. GRCh37 (hg19) VCF-style: chr10-50669397-C-G.
Other names: c.3983+1G>C (NM_001346440.2).
Identifiers: ClinVar variation 1913885 (VCV001913885.5), dbSNP rs771290763, ClinGen allele CA5495221.
Genomic context (GRCh38, chr10:49,461,351, plus strand): 5'-TTTTATTTCTAGCCTTAGTTGTTTGGACTCCTTGCAAGTATGGCATGCAGCAATCTCTTA[C>G]TTTTTTCCTGCTGGTGCACCAGAAATCCCCCTGTGGCCAGTCCAGGTGGGAACACCAGAC-3'

ClinVar aggregate classification (germline): Likely pathogenic (1 of 4 stars; one submission).

Allele frequency attached by ClinVar (database versions not stated): gnomAD exomes below 0.00001; ExAC 0.00002.
gnomAD v4.1: 3 of 1,612,804 alleles (0.00019%); highest among the groups gnomAD compares: Admixed American, 0.005%; no homozygotes.

Submission:

Labcorp Genetics (formerly Invitae), Labcorp
Classification: Likely pathogenic. Last evaluated: 2023-01-20. Review status: criteria provided, single submitter. Criteria: Invitae Variant Classification Sherloc (09022015). Collection method: clinical testing. Allele origin: germline.
Comment: In summary, the currently available evidence indicates that the variant is pathogenic, but additional data are needed to prove that conclusively. Therefore, this variant has been classified as Likely Pathogenic. Algorithms developed to predict the effect of sequence changes on RNA splicing suggest that this variant may disrupt the consensus splice site. This variant has not been reported in the literature in individuals affected with ERCC6-related conditions. This variant is present in population databases (rs771290763, gnomAD 0.009%). This sequence change affects a donor splice site in intron 19 of the ERCC6 gene. It is expected to disrupt RNA splicing. Variants that disrupt the donor or acceptor splice site typically lead to a loss of protein function (PMID: 16199547), and loss-of-function variants in ERCC6 are known to be pathogenic (PMID: 18628313, 29572252).

Literature cited by the submitters: PubMed 16199547; PubMed 18628313; PubMed 29572252.